The following is an entry in ClinVar:

ClinVar aggregate classification (germline): Uncertain significance. Review status: criteria provided, multiple submitters, no conflicts (2 of 4 stars). 2 submissions from 2 submitters: Uncertain significance (2). Last evaluated 2025-10-23.

Conditions:
Hereditary cancer-predisposing syndrome. Also called: Hereditary neoplastic syndrome; Tumor predisposition; Hereditary Cancer Syndrome; Neoplastic Syndromes, Hereditary. Identifiers: Orphanet 140162, MedGen C0027672, MeSH D009386, MONDO:0015356.

Submissions (2):

Labcorp Genetics (formerly Invitae), Labcorp
Classification: Uncertain significance. Last evaluated: 2025-10-23. Review status: criteria provided, single submitter. Criteria: Invitae Variant Classification Sherloc (09022015). Collection method: clinical testing. Allele origin: germline.
Comment: This sequence change replaces serine, which is neutral and polar, with proline, which is neutral and non-polar, at codon 1090 of the MSH3 protein (p.Ser1090Pro). This variant is not present in population databases (gnomAD no frequency). This variant has not been reported in the literature in individuals affected with MSH3-related conditions. ClinVar contains an entry for this variant (Variation ID: 2586085). An algorithm developed to predict the effect of missense changes on protein structure and function (PolyPhen-2) suggests that this variant is likely to be disruptive. In summary, the available evidence is currently insufficient to determine the role of this variant in disease. Therefore, it has been classified as a Variant of Uncertain Significance.

Ambry Genetics
Classification: Uncertain significance for Hereditary cancer-predisposing syndrome. Last evaluated: 2023-09-09. Review status: criteria provided, single submitter. Criteria: Ambry Variant Classification Scheme 2023. Collection method: clinical testing. Allele origin: germline.
Comment: The p.S1090P variant (also known as c.3268T>C), located in coding exon 23 of the MSH3 gene, results from a T to C substitution at nucleotide position 3268. The serine at codon 1090 is replaced by proline, an amino acid with similar properties. This amino acid position is conserved. In addition, this alteration is predicted to be deleterious by in silico analysis. Since supporting evidence is limited at this time, the clinical significance of this alteration remains unclear.

NM_002439.5(MSH3):c.3268T>C (p.Ser1090Pro)

Gene: MSH3 (mutS homolog 3; plus strand). Cytogenetic location: 5q14.1.
Variant type: single nucleotide variant.
Coding change: c.3268T>C on transcript NM_002439.5 (MANE Select); coding-DNA position 3268, T replaced by C.
Protein change: p.Ser1090Pro; replaces serine 1090 with proline.
Molecular consequence: missense variant.
Genome position (GRCh38, 1-based): chr5:80,873,253, T>C. VCF-style: chr5-80873253-T-C. GRCh37 (hg19) VCF-style: chr5-80169072-T-C.
Other names: short protein forms S1090P.
Identifiers: ClinVar variation 2586085 (VCV002586085.3), dbSNP rs2478805462, ClinGen allele CA360347069.